The following is an entry in ClinVar:

NM_002122.5(HLA-DQA1):c.122T>C (p.Phe41Ser)

Gene: HLA-DQA1 (major histocompatibility complex, class II, DQ alpha 1; plus strand). Cytogenetic location: 6p21.32.
Variant type: single nucleotide variant.
Coding change: c.122T>C on transcript NM_002122.5 (MANE Select); coding-DNA position 122, T replaced by C.
Protein change: p.Phe41Ser; replaces phenylalanine 41 with serine.
Molecular consequence: missense variant.
Genome position (GRCh38, 1-based): chr6:32,641,349, T>C. VCF-style: chr6-32641349-T-C. GRCh37 (hg19) VCF-style: chr6-32609126-T-C.
Other names: short protein forms F41S.
Identifiers: ClinVar variation 1257290 (VCV001257290.2), dbSNP rs1071630, ClinGen allele CA3743744.

ClinVar aggregate classification (germline): Benign (1 of 4 stars; one submission).

Allele frequency attached by ClinVar (database versions not stated): gnomAD 0.22723 and 0.22815; ESP Exome Variant Server 0.42305; 1000 Genomes Project 30x 0.44769; gnomAD exomes 0.49324; 1000 Genomes Project 0.55312; ExAC 0.55670.

Submission:

GeneDx
Classification: Benign. Last evaluated: 2020-07-15. Review status: criteria provided, single submitter. Criteria: GeneDx Variant Classification Process June 2021. Collection method: clinical testing. Allele origin: germline. Affected: yes.
Comment: This variant is associated with the following publications: (PMID: 25349203)